The following is an entry in ClinVar:

ClinVar aggregate classification (germline): Uncertain significance. Review status: criteria provided, single submitter (1 of 4 stars). 2 submissions from 2 submitters: Uncertain significance (1). 1 of the submissions does not count toward it. Last evaluated 2021-06-14.

Conditions:
Hypertrophic cardiomyopathy. Also called: HYPERTROPHIC MYOCARDIOPATHY. Identifiers: Orphanet 217569, MedGen C0007194, MeSH D002312, MONDO:0005045, HP:0001639.

Submissions (2):

Labcorp Genetics (formerly Invitae), Labcorp
Classification: Uncertain significance for Hypertrophic cardiomyopathy. Last evaluated: 2021-06-14. Review status: criteria provided, single submitter. Criteria: Invitae Variant Classification Sherloc (09022015). Collection method: clinical testing. Allele origin: germline.
Comment: In summary, the available evidence is currently insufficient to determine the role of this variant in disease. Therefore, it has been classified as a Variant of Uncertain Significance. This variant is found within a region of MYH7 between codons 181 and 937 that contains the majority of the myosin head domain. Missense variants in this region have been shown to be significantly overrepresented in individuals with hypertrophic cardiomyopathy (PMID: 27532257). Algorithms developed to predict the effect of missense changes on protein structure and function (SIFT, PolyPhen-2, Align-GVGD) all suggest that this variant is likely to be disruptive, but these predictions have not been confirmed by published functional studies and their clinical significance is uncertain. This variant has been observed in individual(s) with hypertrophic cardiomyopathy (PMID: 27532257, 10521296). ClinVar contains an entry for this variant (Variation ID: 177669). This variant is not present in population databases (ExAC no frequency). This sequence change replaces glutamic acid with glycine at codon 499 of the MYH7 protein (p.Glu499Gly). The glutamic acid residue is highly conserved and there is a moderate physicochemical difference between glutamic acid and glycine.

Laboratory for Molecular Medicine, Mass General Brigham Personalized Medicine
Classification: Uncertain significance. Last evaluated: 2013-02-14. Review status: no assertion criteria provided. Collection method: clinical testing. Allele origin: germline. Observed: 1 variant allele. Not counted in ClinVar's aggregate classification.
Comment: proposed classification - variant undergoing re-assessment, contact laboratory

Literature cited by the submitters: PubMed 27532257 (cited by Labcorp Genetics (formerly Invitae), Labcorp); PubMed 10521296 (cited by Labcorp Genetics (formerly Invitae), Labcorp and Laboratory for Molecular Medicine, Mass General Brigham Personalized Medicine).

NM_000257.4(MYH7):c.1496A>G (p.Glu499Gly)

Gene: MYH7 (myosin heavy chain 7; minus strand). Cytogenetic location: 14q11.2.
Variant type: single nucleotide variant.
Coding change: c.1496A>G on transcript NM_000257.4 (MANE Select); coding-DNA position 1496, A replaced by G.
Protein change: p.Glu499Gly; replaces glutamic acid 499 with glycine.
Molecular consequence: missense variant.
Genome position (GRCh38, 1-based): chr14:23,428,582, T>C on the plus strand (A>G on the coding strand, the complement: MYH7 is on the minus strand). VCF-style: chr14-23428582-T-C. GRCh37 (hg19) VCF-style: chr14-23897791-T-C.
Other names: short protein forms E499G.
Identifiers: ClinVar variation 177669 (VCV000177669.11), dbSNP rs727504270, ClinGen allele CA010852.
Genomic context (GRCh38, chr14:23,428,582, plus strand): 5'-GCCTGCAGGTCCATGCCAAAGTCAATGAATGTCCACTCGATGCCCTCCTTCTTGTACTCC[T>C]CCTGCTCCAGCACAAACATGTGGTGGTTGAAGAACTGCTGCAGCTTCTCGTTGGTGAAGT-3'
Protein context (NP_000248.2, residues 489-509): FNHHMFVLEQ[Glu499Gly]EYKKEGIEWT